The following is an entry in ClinVar:

ClinVar aggregate classification (germline): Conflicting classifications of pathogenicity. Review status: criteria provided, conflicting classifications (1 of 4 stars). 5 submissions from 5 submitters: Uncertain significance (1); Likely benign (3). 1 of the submissions does not count toward it. Last evaluated 2025-12-04.

Conditions:
SPG11-related disorder. Also called: SPG11-related condition.
Hereditary spastic paraplegia 11. Also called: Spastic Paraplegia 11; SPASTIC PARAPLEGIA, AUTOSOMAL RECESSIVE, COMPLICATED, WITH THIN CORPUS CALLOSUM; SPASTIC PARAPLEGIA, AUTOSOMAL RECESSIVE, WITH MENTAL IMPAIRMENT AND THIN CORPUS CALLOSUM; Spastic paraplegia, mental retardation and thin corpus callosum; Nakamura Osame syndrome; Autosomal recessive hereditary spastic paraplegia, mental impairment, and thin corpus callosum. Identifiers: Orphanet 2822, MedGen C1858479, MONDO:0011445, OMIM 604360.
Inborn genetic diseases. Identifiers: MedGen C0950123, MeSH D030342.

Allele frequency attached by ClinVar (database versions not stated): ExAC 0.00005; gnomAD exomes 0.00006 and 0.00016; ESP Exome Variant Server 0.00015; gnomAD 0.00015 and 0.00016; TOPMed 0.00015.
gnomAD v4.1: 253 of 1,613,698 alleles (0.016%); highest among the groups gnomAD compares: Non-Finnish European, 0.02%; no homozygotes.

Submissions (5):

Labcorp Genetics (formerly Invitae), Labcorp
Classification: Likely benign for Hereditary spastic paraplegia 11. Last evaluated: 2025-12-04. Review status: criteria provided, single submitter. Criteria: Invitae Variant Classification Sherloc (09022015). Collection method: clinical testing. Allele origin: germline.

CeGaT Center for Human Genetics Tuebingen
Classification: Likely benign. Last evaluated: 2025-10-01. Review status: criteria provided, single submitter. Criteria: CeGaT Center For Human Genetics Tuebingen Variant Classification Criteria Version 2. Collection method: clinical testing. Allele origin: germline. Affected: yes. Observed: 1 variant allele.
Comment: SPG11: BP4, BP7

Ambry Genetics
Classification: Likely benign for Inborn genetic diseases. Last evaluated: 2019-07-11. Review status: criteria provided, single submitter. Criteria: Ambry Variant Classification Scheme 2023. Collection method: clinical testing. Allele origin: germline.

Illumina Laboratory Services, Illumina
Classification: Uncertain significance for Hereditary spastic paraplegia 11. Last evaluated: 2018-01-13. Review status: criteria provided, single submitter. Criteria: ICSL Variant Classification Criteria 13 December 2019. Collection method: clinical testing. Allele origin: germline.

PreventionGenetics, part of Exact Sciences
Classification: Likely benign for SPG11-related condition. Last evaluated: 2020-08-19. Review status: no assertion criteria provided. Collection method: clinical testing. Allele origin: germline. Not counted in ClinVar's aggregate classification.
Comment: This variant is classified as likely benign based on ACMG/AMP sequence variant interpretation guidelines (Richards et al. 2015 PMID: 25741868, with internal and published modifications).

NM_025137.4(SPG11):c.2169C>T (p.Gly723=)

Gene: SPG11 (SPG11 vesicle trafficking associated, spatacsin; minus strand). Cytogenetic location: 15q21.1.
Variant type: single nucleotide variant.
Coding change: c.2169C>T on transcript NM_025137.4 (MANE Select); coding-DNA position 2169, C replaced by T.
Protein change: p.Gly723=; no amino-acid change (glycine 723 retained).
Molecular consequence: synonymous variant.
Genome position (GRCh38, 1-based): chr15:44,626,406, G>A on the plus strand (C>T on the coding strand, the complement: SPG11 is on the minus strand). VCF-style: chr15-44626406-G-A. GRCh37 (hg19) VCF-style: chr15-44918604-G-A.
Other names: c.2169C>T, p.Gly723= (NM_001160227.2).
Identifiers: ClinVar variation 316103 (VCV000316103.26), dbSNP rs371338650, ClinGen allele CA7535334.